The following is an entry in ClinVar:

NM_001853.4(COL9A3):c.422C>G (p.Pro141Arg)

Gene: COL9A3 (collagen type IX alpha 3 chain; plus strand). Cytogenetic location: 20q13.33.
Variant type: single nucleotide variant.
Coding change: c.422C>G on transcript NM_001853.4 (MANE Select); coding-DNA position 422, C replaced by G.
Protein change: p.Pro141Arg; replaces proline 141 with arginine.
Molecular consequence: missense variant.
Genome position (GRCh38, 1-based): chr20:62,821,809, C>G. VCF-style: chr20-62821809-C-G. GRCh37 (hg19) VCF-style: chr20-61453161-C-G.
Other names: short protein forms P141R.
Identifiers: ClinVar variation 1356138 (VCV001356138.39), dbSNP rs141879928, ClinGen allele CA9949242.

ClinVar aggregate classification (germline): Uncertain significance. Review status: criteria provided, multiple submitters, no conflicts (2 of 4 stars). 5 submissions from 5 submitters: Uncertain significance (5). Last evaluated 2025-10-21.

Conditions:
Epiphyseal dysplasia, multiple, 3 (EDM3). Also called: COL9A3-Related Multiple Epiphyseal Dysplasia; Epiphyseal dysplasia, multiple, 3, with or without myopathy. Identifiers: MedGen C1832998, MONDO:0010964, OMIM 600969.
Stickler syndrome, type 6. Also called: Stickler syndrome, IIa 6; Stickler syndrome, type VI. Identifiers: MedGen C5774207, MONDO:0031047, OMIM 620022.
Connective tissue disorder. Also called: Connective tissue disease. Identifiers: MedGen C0009782, MONDO:0003900.

Allele frequency attached by ClinVar (database versions not stated): ESP Exome Variant Server 0.00008.

Submissions (5):

Labcorp Genetics (formerly Invitae), Labcorp
Classification: Uncertain significance. Last evaluated: 2025-10-21. Review status: criteria provided, single submitter. Criteria: Invitae Variant Classification Sherloc (09022015). Collection method: clinical testing. Allele origin: germline.
Comment: This sequence change replaces proline, which is neutral and non-polar, with arginine, which is basic and polar, at codon 141 of the COL9A3 protein (p.Pro141Arg). This variant is present in population databases (rs141879928, gnomAD 0.02%). This variant has not been reported in the literature in individuals affected with COL9A3-related conditions. ClinVar contains an entry for this variant (Variation ID: 1356138). Experimental studies and prediction algorithms are not available or were not evaluated, and the functional significance of this variant is currently unknown. In summary, the available evidence is currently insufficient to determine the role of this variant in disease. Therefore, it has been classified as a Variant of Uncertain Significance.

GeneDx
Classification: Uncertain significance. Last evaluated: 2024-05-25. Review status: criteria provided, single submitter. Criteria: GeneDx Variant Classification Process June 2021. Collection method: clinical testing. Allele origin: germline. Affected: yes.
Comment: Has not been previously published as pathogenic or benign to our knowledge; In silico analysis indicates that this missense variant does not alter protein structure/function

Blueprint Genetics
Classification: Uncertain significance. Last evaluated: 2024-04-05. Review status: criteria provided, single submitter. Criteria: ACMG Guidelines, 2015. Collection method: clinical testing. Allele origin: germline.

CeGaT Center for Human Genetics Tuebingen
Classification: Uncertain significance. Last evaluated: 2022-07-01. Review status: criteria provided, single submitter. Criteria: CeGaT Center For Human Genetics Tuebingen Variant Classification Criteria Version 2. Collection method: clinical testing. Allele origin: germline. Affected: yes. Observed: 1 variant allele.

Genome Diagnostics Laboratory, The Hospital for Sick Children
Classification: Uncertain significance for Connective tissue disorder. Last evaluated: 2021-12-11. Review status: criteria provided, single submitter. Criteria: ACMG Guidelines, 2015. Collection method: clinical testing. Allele origin: germline.